The following is an entry in ClinVar:

ClinVar aggregate classification (germline): Uncertain significance (1 of 4 stars; one submission).

Submission:

GeneDx
Classification: Uncertain significance. Last evaluated: 2023-01-11. Review status: criteria provided, single submitter. Criteria: GeneDx Variant Classification Process June 2021. Collection method: clinical testing. Allele origin: germline. Affected: yes.
Comment: Not observed at significant frequency in large population cohorts (gnomAD); In silico analysis supports that this missense variant does not alter protein structure/function; Has not been previously published as pathogenic or benign to our knowledge

NM_032590.5(KDM2B):c.2856G>T (p.Lys952Asn)

Gene: KDM2B (lysine demethylase 2B; minus strand). Cytogenetic location: 12q24.31.
Variant type: single nucleotide variant.
Coding change: c.2856G>T on transcript NM_032590.5 (MANE Select); coding-DNA position 2856, G replaced by T.
Protein change: p.Lys952Asn; replaces lysine 952 with asparagine.
Molecular consequence: missense variant.
Genome position (GRCh38, 1-based): chr12:121,442,585, C>A on the plus strand (G>T on the coding strand, the complement: KDM2B is on the minus strand). VCF-style: chr12-121442585-C-A. GRCh37 (hg19) VCF-style: chr12-121880388-C-A.
Other names: c.2649G>T, p.Lys883Asn (NM_001005366.2); short protein forms K883N, K952N.
Identifiers: ClinVar variation 2572906 (VCV002572906.1), dbSNP rs2547457263, ClinGen allele CA386973986.